The following is an entry in ClinVar:

NM_024675.4(PALB2):c.2577A>T (p.Ser859=)

Gene: PALB2 (partner and localizer of BRCA2; minus strand). Cytogenetic location: 16p12.2.
Variant type: single nucleotide variant.
Coding change: c.2577A>T on transcript NM_024675.4 (MANE Select); coding-DNA position 2577, A replaced by T.
Protein change: p.Ser859=; no amino-acid change (serine 859 retained).
Molecular consequence: synonymous variant. On other transcripts: intron variant (1).
Genome position (GRCh38, 1-based): chr16:23,629,213, T>A on the plus strand (A>T on the coding strand, the complement: PALB2 is on the minus strand). VCF-style: chr16-23629213-T-A. GRCh37 (hg19) VCF-style: chr16-23640534-T-A.
Other names: c.2517A>T, p.Ser839= (NM_001407296.1); c.2577A>T, p.Ser859= (NM_001407298.1, NM_001407299.1, NM_001407300.1 and 2 more transcripts); c.1692A>T, p.Ser564= (NM_001407304.1, NM_001407305.1, NM_001407306.1 and 5 more transcripts); c.789A>T, p.Ser263= (NM_001407312.1, NM_001407313.1); c.111A>T, p.Ser37= (NM_001407314.1); c.2514+427A>T (NM_001407297.1).
Identifiers: ClinVar variation 1793322 (VCV001793322.3), dbSNP rs1567216795, ClinGen allele CA494163297.

ClinVar aggregate classification (germline): Benign/Likely benign. Review status: criteria provided, multiple submitters, no conflicts (2 of 4 stars). 2 submissions from 2 submitters: Benign (1); Likely benign (1). Last evaluated 2025-01-16.

Conditions:
Hereditary cancer-predisposing syndrome. Also called: Tumor predisposition; Hereditary Cancer Syndrome; Neoplastic Syndromes, Hereditary; Hereditary neoplastic syndrome. Identifiers: Orphanet 140162, MedGen C0027672, MeSH D009386, MONDO:0015356.
Familial cancer of breast. Also called: Hereditary breast cancer; BREAST CANCER, FAMILIAL; hereditary breast carcinoma. Identifiers: Orphanet 227535, MedGen C0346153, MONDO:0016419, OMIM 114480. Disease mechanism: loss of function.

Submissions (2):

Myriad Genetics, Inc.
Classification: Benign for Familial cancer of breast. Last evaluated: 2025-01-16. Review status: criteria provided, single submitter. Criteria: Myriad Autosomal Dominant, Autosomal Recessive and X-Linked Classification Criteria (2023). Collection method: clinical testing. Allele origin: unknown.
Comment: This variant is considered benign. This variant is a silent/synonymous amino acid change and it is not expected to impact splicing.

Ambry Genetics
Classification: Likely benign for Hereditary cancer-predisposing syndrome. Last evaluated: 2022-10-19. Review status: criteria provided, single submitter. Criteria: Ambry Variant Classification Scheme 2023. Collection method: clinical testing. Allele origin: germline.